The following is an entry in ClinVar:

NM_003190.5(TAPBP):c.776C>T (p.Pro259Leu)

Gene: TAPBP (TAP binding protein; minus strand). Cytogenetic location: 6p21.32.
Variant type: single nucleotide variant.
Coding change: c.776C>T on transcript NM_003190.5 (MANE Select); coding-DNA position 776, C replaced by T.
Protein change: p.Pro259Leu; replaces proline 259 with leucine.
Molecular consequence: missense variant.
Genome position (GRCh38, 1-based): chr6:33,305,081, G>A on the plus strand (C>T on the coding strand, the complement: TAPBP is on the minus strand). VCF-style: chr6-33305081-G-A. GRCh37 (hg19) VCF-style: chr6-33272858-G-A.
Other names: c.776C>T, p.Pro259Leu (NM_001410875.1, NM_172208.3); c.515C>T, p.Pro172Leu (NM_172209.3); short protein forms P259L, P172L.
Identifiers: ClinVar variation 2163952 (VCV002163952.4), dbSNP rs2536724843, ClinGen allele CA363690879.

ClinVar aggregate classification (germline): Uncertain significance (1 of 4 stars; one submission).

Conditions:
MHC class I deficiency. Identifiers: Orphanet 34592, MedGen C6024714, MONDO:0011476.

Allele frequency attached by ClinVar (database versions not stated): gnomAD exomes below 0.00001.
gnomAD v4.1: 1 of 1,614,174 alleles (0.000062%); highest among the groups gnomAD compares: Non-Finnish European, 0.000085%; no homozygotes.

Submission:

Labcorp Genetics (formerly Invitae), Labcorp
Classification: Uncertain significance for MHC class I deficiency 1. Last evaluated: 2022-02-01. Review status: criteria provided, single submitter. Criteria: Invitae Variant Classification Sherloc (09022015). Collection method: clinical testing. Allele origin: germline.
Comment: In summary, the available evidence is currently insufficient to determine the role of this variant in disease. Therefore, it has been classified as a Variant of Uncertain Significance. Algorithms developed to predict the effect of missense changes on protein structure and function are either unavailable or do not agree on the potential impact of this missense change (SIFT: "Deleterious"; PolyPhen-2: "Probably Damaging"; Align-GVGD: "Class C0"). This variant has not been reported in the literature in individuals affected with TAPBP-related conditions. This variant is not present in population databases (gnomAD no frequency). This sequence change replaces proline, which is neutral and non-polar, with leucine, which is neutral and non-polar, at codon 259 of the TAPBP protein (p.Pro259Leu).